The following is an entry in ClinVar:

NM_001277115.2(DNAH11):c.12569G>A (p.Gly4190Asp)

Gene: DNAH11 (dynein axonemal heavy chain 11; plus strand). Cytogenetic location: 7p15.3.
Variant type: single nucleotide variant.
Coding change: c.12569G>A on transcript NM_001277115.2 (MANE Select); coding-DNA position 12569, G replaced by A.
Protein change: p.Gly4190Asp; replaces glycine 4190 with aspartic acid.
Molecular consequence: missense variant.
Genome position (GRCh38, 1-based): chr7:21,892,486, G>A. VCF-style: chr7-21892486-G-A. GRCh37 (hg19) VCF-style: chr7-21932104-G-A.
Other names: short protein forms G4190D.
Identifiers: ClinVar variation 547926 (VCV000547926.14), dbSNP rs374787771, ClinGen allele CA4183126.

ClinVar aggregate classification (germline): Conflicting classifications of pathogenicity. Review status: criteria provided, conflicting classifications (1 of 4 stars). 4 submissions from 4 submitters: Uncertain significance (3); Benign (1). Last evaluated 2025-12-23.

Conditions:
Primary ciliary dyskinesia 7. Also called: CILIARY DYSKINESIA, PRIMARY, 7, WITH OR WITHOUT SITUS INVERSUS. Identifiers: Orphanet 244, MedGen C2678473, MONDO:0012748, OMIM 611884.
Primary ciliary dyskinesia. Also called: Ciliary dyskinesia. Identifiers: Orphanet 244, MedGen C0008780, MONDO:0016575, HP:0012265.

Allele frequency attached by ClinVar (database versions not stated): gnomAD 0.00007 and 0.00008; TOPMed 0.00008; gnomAD exomes 0.00010 and 0.00011; ExAC 0.00012; ESP Exome Variant Server 0.00016.
gnomAD v4.1: 181 of 1,613,754 alleles (0.011%); highest among the groups gnomAD compares: Non-Finnish European, 0.013%; 1 homozygote.

Submissions (4):

Labcorp Genetics (formerly Invitae), Labcorp
Classification: Benign for Primary ciliary dyskinesia. Last evaluated: 2025-12-23. Review status: criteria provided, single submitter. Criteria: Invitae Variant Classification Sherloc (09022015). Collection method: clinical testing. Allele origin: germline.

Blueprint Genetics
Classification: Uncertain significance. Last evaluated: 2024-10-11. Review status: criteria provided, single submitter. Criteria: ACMG Guidelines, 2015. Collection method: clinical testing. Allele origin: germline.

Ambry Genetics
Classification: Uncertain significance for Primary ciliary dyskinesia. Last evaluated: 2023-07-13. Review status: criteria provided, single submitter. Criteria: Ambry Variant Classification Scheme 2023. Collection method: clinical testing. Allele origin: germline.
Comment: The p.G4190D variant (also known as c.12569G>A), located in coding exon 77 of the DNAH11 gene, results from a G to A substitution at nucleotide position 12569. The glycine at codon 4190 is replaced by aspartic acid, an amino acid with similar properties. This amino acid position is conserved. In addition, this alteration is predicted to be tolerated by in silico analysis. Since supporting evidence is limited at this time, the clinical significance of this alteration remains unclear.

Mayo Clinic Laboratories, Mayo Clinic
Classification: Uncertain significance for Primary ciliary dyskinesia 7. Last evaluated: 2017-03-03. Review status: criteria provided, single submitter. Criteria: ACMG Guidelines, 2015. Collection method: clinical testing. Allele origin: maternal.